The following is an entry in ClinVar:

ClinVar aggregate classification (germline): Uncertain significance (1 of 4 stars; one submission).

Conditions:
Gorlin syndrome. Also called: Basal cell nevus syndrome; Nevoid Basal Cell Carcinoma Syndrome. Identifiers: Orphanet 377, MedGen C0004779, MONDO:0007187.

Submission:

Labcorp Genetics (formerly Invitae), Labcorp
Classification: Uncertain significance for Gorlin syndrome. Last evaluated: 2024-04-29. Review status: criteria provided, single submitter. Criteria: Invitae Variant Classification Sherloc (09022015). Collection method: clinical testing. Allele origin: germline.
Comment: This sequence change replaces proline, which is neutral and non-polar, with serine, which is neutral and polar, at codon 252 of the PTCH1 protein (p.Pro252Ser). This variant is not present in population databases (gnomAD no frequency). This variant has not been reported in the literature in individuals affected with PTCH1-related conditions. Advanced modeling of protein sequence and biophysical properties (such as structural, functional, and spatial information, amino acid conservation, physicochemical variation, residue mobility, and thermodynamic stability) performed at Invitae indicates that this missense variant is not expected to disrupt PTCH1 protein function with a negative predictive value of 95%. In summary, the available evidence is currently insufficient to determine the role of this variant in disease. Therefore, it has been classified as a Variant of Uncertain Significance.

NM_000264.5(PTCH1):c.754C>T (p.Pro252Ser)

Gene: PTCH1 (patched 1; minus strand). Cytogenetic location: 9q22.32.
Variant type: single nucleotide variant.
Coding change: c.754C>T on transcript NM_000264.5 (MANE Select); coding-DNA position 754, C replaced by T.
Protein change: p.Pro252Ser; replaces proline 252 with serine.
Molecular consequence: missense variant. On other transcripts: non-coding transcript variant (1).
Genome position (GRCh38, 1-based): chr9:95,480,581, G>A on the plus strand (C>T on the coding strand, the complement: PTCH1 is on the minus strand). VCF-style: chr9-95480581-G-A. GRCh37 (hg19) VCF-style: chr9-98242863-G-A.
Other names: c.556C>T, p.Pro186Ser (NM_001083602.3); c.751C>T, p.Pro251Ser (NM_001083603.3); c.301C>T, p.Pro101Ser (NM_001083604.3, NM_001083605.3, NM_001083606.3 and 1 more transcripts); c.754C>T, p.Pro252Ser (NM_001354918.2); short protein forms P101S, P251S, P186S, P252S.
Identifiers: ClinVar variation 3713558 (VCV003713558.2).
Genomic context (GRCh38, chr9:95,480,581, plus strand): 5'-TTATTTTCTTTAACTCTTCCAGGAATTCCAAAGGGTCGAAGTTTGTCCACCGCAAAGGAG[G>A]TTTACCTCTGCAAAAGAAATTAGGAGACGAGACCATGAAAAGAGCCTTCTAAACGCATCG-3'
Protein context (NP_000255.2, residues 242-262): QSGTAYLLGK[Pro252Ser]PLRWTNFDPL